The following is an entry in ClinVar:

NM_005045.4(RELN):c.6083G>A (p.Gly2028Asp)

Gene: RELN (reelin; minus strand). Cytogenetic location: 7q22.1.
Variant type: single nucleotide variant.
Coding change: c.6083G>A on transcript NM_005045.4 (MANE Select); coding-DNA position 6083, G replaced by A.
Protein change: p.Gly2028Asp; replaces glycine 2028 with aspartic acid.
Molecular consequence: missense variant.
Genome position (GRCh38, 1-based): chr7:103,551,286, C>T on the plus strand (G>A on the coding strand, the complement: RELN is on the minus strand). VCF-style: chr7-103551286-C-T. GRCh37 (hg19) VCF-style: chr7-103191733-C-T.
Other names: c.6083G>A, p.Gly2028Asp (NM_173054.3); short protein forms G2028D.
Identifiers: ClinVar variation 934153 (VCV000934153.10), dbSNP rs1584287058, ClinGen allele CA368738837.
Genomic context (GRCh38, chr7:103,551,286, plus strand): 5'-CCGAAGTCCCTTGAAAATTCCAGTCTCACTGGATCCGCGGATGAGCTATCAGTCGAACAG[C>T]CAACGTTGATCTTGGGGATGAAGAAAAAAATGATACAAATTACCTCAGAGCAACAAGCCT-3'
Protein context (NP_005036.2, residues 2018-2038): NTIIQFEINV[Gly2028Asp]CSTDSSSADP

ClinVar aggregate classification (germline): Uncertain significance. Review status: criteria provided, multiple submitters, no conflicts (2 of 4 stars). 2 submissions from 2 submitters: Uncertain significance (2). Last evaluated 2025-06-18.

Conditions:
Norman-Roberts syndrome (LIS2). Also called: Lissencephaly 2 (Norman-Roberts type). Identifiers: Orphanet 89844, MedGen C0796089, MONDO:0009760, OMIM 257320.
Familial temporal lobe epilepsy 7. Identifiers: Orphanet 101046, MedGen C4225327, MONDO:0014639, OMIM 616436.
Inborn genetic diseases. Identifiers: MedGen C0950123, MeSH D030342.

Allele frequency attached by ClinVar (database versions not stated): gnomAD exomes below 0.00001.
gnomAD v4.1: 2 of 1,613,234 alleles (0.00012%); highest among the groups gnomAD compares: South Asian, 0.0022%; no homozygotes.

Submissions (2):

Ambry Genetics
Classification: Uncertain significance for Inborn genetic diseases. Last evaluated: 2025-06-18. Review status: criteria provided, single submitter. Criteria: Ambry Variant Classification Scheme 2023. Collection method: clinical testing. Allele origin: germline.

Labcorp Genetics (formerly Invitae), Labcorp
Classification: Uncertain significance for Familial temporal lobe epilepsy 7; Norman-Roberts syndrome. Last evaluated: 2019-09-24. Review status: criteria provided, single submitter. Criteria: Invitae Variant Classification Sherloc (09022015). Collection method: clinical testing. Allele origin: germline.
Comment: In summary, the available evidence is currently insufficient to determine the role of this variant in disease. Therefore, it has been classified as a Variant of Uncertain Significance. Algorithms developed to predict the effect of missense changes on protein structure and function are either unavailable or do not agree on the potential impact of this missense change (SIFT: "Deleterious"; PolyPhen-2: "Probably Damaging"; Align-GVGD: "Class C0"). This variant has not been reported in the literature in individuals with RELN-related conditions. This variant is not present in population databases (ExAC no frequency). This sequence change replaces glycine with aspartic acid at codon 2028 of the RELN protein (p.Gly2028Asp). The glycine residue is highly conserved and there is a moderate physicochemical difference between glycine and aspartic acid.